The following is an entry in ClinVar:

ClinVar aggregate classification (germline): Uncertain significance. Review status: criteria provided, multiple submitters, no conflicts (2 of 4 stars). 3 submissions from 3 submitters: Uncertain significance (3). Last evaluated 2025-10-07.

Conditions:
Pierpont syndrome (PRPTS). Identifiers: Orphanet 487825, MedGen C1865644, MONDO:0011213, OMIM 602342.

Allele frequency attached by ClinVar (database versions not stated): gnomAD exomes below 0.00001; TOPMed 0.00001; ESP Exome Variant Server 0.00008.
gnomAD v4.1: 3 of 1,612,670 alleles (0.00019%); highest among the groups gnomAD compares: Admixed American, 0.0017%; no homozygotes.

Submissions (3):

GeneDx
Classification: Uncertain significance. Last evaluated: 2025-10-07. Review status: criteria provided, single submitter. Criteria: GeneDx Variant Classification Process June 2021. Collection method: clinical testing. Allele origin: germline. Affected: yes.
Comment: In silico analysis supports that this missense variant has a deleterious effect on protein structure/function; Has not been previously published as pathogenic or benign to our knowledge

Labcorp Genetics (formerly Invitae), Labcorp
Classification: Uncertain significance for Pierpont syndrome. Last evaluated: 2025-09-12. Review status: criteria provided, single submitter. Criteria: Invitae Variant Classification Sherloc (09022015). Collection method: clinical testing. Allele origin: germline.
Comment: This sequence change replaces arginine, which is basic and polar, with tryptophan, which is neutral and slightly polar, at codon 513 of the TBL1XR1 protein (p.Arg513Trp). The frequency data for this variant in the population databases is considered unreliable, as metrics indicate poor data quality at this position in the gnomAD database. This variant has not been reported in the literature in individuals affected with TBL1XR1-related conditions. ClinVar contains an entry for this variant (Variation ID: 2061380). Invitae Evidence Modeling of protein sequence and biophysical properties (such as structural, functional, and spatial information, amino acid conservation, physicochemical variation, residue mobility, and thermodynamic stability) indicates that this missense variant is expected to disrupt TBL1XR1 protein function with a positive predictive value of 95%. In summary, the available evidence is currently insufficient to determine the role of this variant in disease. Therefore, it has been classified as a Variant of Uncertain Significance.

Women's Health and Genetics/Laboratory Corporation of America, LabCorp
Classification: Uncertain significance. Last evaluated: 2024-12-03. Review status: criteria provided, single submitter. Criteria: LabCorp Variant Classification Summary - May 2015. Collection method: clinical testing. Allele origin: germline.
Comment: Variant summary: TBL1XR1 c.1537C>T (p.Arg513Trp) results in a non-conservative amino acid change in the encoded protein sequence. Four of five in-silico tools predict a damaging effect of the variant on protein function. The frequency data for this variant in gnomAD is considered unreliable, as metrics indicate poor data quality at this position. To our knowledge, no occurrence of c.1537C>T in individuals affected with Intellectual Disability, Autosomal Dominant 41 and no experimental evidence demonstrating its impact on protein function have been reported. ClinVar contains an entry for this variant (Variation ID: 2061380). Based on the evidence outlined above, the variant was classified as uncertain significance.

NM_024665.7(TBL1XR1):c.1537C>T (p.Arg513Trp)

Gene: TBL1XR1 (TBL1X/Y related 1; minus strand). Cytogenetic location: 3q26.32.
Variant type: single nucleotide variant.
Coding change: c.1537C>T on transcript NM_024665.7 (MANE Select); coding-DNA position 1537, C replaced by T.
Protein change: p.Arg513Trp; replaces arginine 513 with tryptophan.
Molecular consequence: missense variant.
Genome position (GRCh38, 1-based): chr3:177,025,506, G>A on the plus strand (C>T on the coding strand, the complement: TBL1XR1 is on the minus strand). VCF-style: chr3-177025506-G-A. GRCh37 (hg19) VCF-style: chr3-176743294-G-A.
Other names: c.1537C>T, p.Arg513Trp (NM_001321193.3, NM_001321194.3, NM_001374327.1 and 2 more transcripts); c.1276C>T, p.Arg426Trp (NM_001321195.3, NM_001374330.1); c.1537C>T (NM_024665.4); short protein forms R426W, R513W.
Identifiers: ClinVar variation 2061380 (VCV002061380.7), dbSNP rs377225567, ClinGen allele CA89085228.